The following is an entry in ClinVar:

ClinVar aggregate classification (germline): Likely pathogenic (1 of 4 stars; one submission).

Conditions:
Dilated cardiomyopathy 1G (CMD1G). Identifiers: Orphanet 154, MedGen C1858763, MONDO:0011400, OMIM 604145.
Autosomal recessive limb-girdle muscular dystrophy type 2J (LGMDR10). Also called: Limb-girdle muscular dystrophy, type 2J; MUSCULAR DYSTROPHY, LIMB-GIRDLE, AUTOSOMAL RECESSIVE 10. Identifiers: Orphanet 140922, MedGen C1837342, MONDO:0012127, OMIM 608807.

Submission:

Labcorp Genetics (formerly Invitae), Labcorp
Classification: Likely pathogenic for Dilated cardiomyopathy 1G; Autosomal recessive limb-girdle muscular dystrophy type 2J. Last evaluated: 2022-09-09. Review status: criteria provided, single submitter. Criteria: Invitae Variant Classification Sherloc (09022015). Collection method: clinical testing. Allele origin: germline.
Comment: In summary, the currently available evidence indicates that the variant is pathogenic, but additional data are needed to prove that conclusively. Therefore, this variant has been classified as Likely Pathogenic. This sequence change creates a premature translational stop signal (p.Trp20803*) in the TTN gene. While this is not anticipated to result in nonsense mediated decay, it is expected to create a truncated TTN protein. This variant is not present in population databases (gnomAD no frequency). This variant has not been reported in the literature in individuals affected with TTN-related conditions. This variant is located in the A band of TTN (PMID: 25589632). Truncating variants in this region are significantly overrepresented in patients affected with dilated cardiomyopathy (PMID: 25589632). Truncating variants in this region have also been reported in individuals affected with autosomal recessive centronuclear myopathy (PMID: 23975875).

Literature cited by the submitters: PubMed 25589632; PubMed 23975875.

NM_001267550.2(TTN):c.62408G>A (p.Trp20803Ter)

Genes: TTN (titin; minus strand), TTN-AS1 (TTN antisense RNA 1; plus strand). Cytogenetic location: 2q31.2.
Variant type: single nucleotide variant.
Coding change: c.62408G>A on transcript NM_001267550.2 (MANE Select); coding-DNA position 62408, G replaced by A.
Protein change: p.Trp20803Ter; replaces tryptophan 20803 with a stop codon.
Molecular consequence: nonsense.
Genome position (GRCh38, 1-based): chr2:178,589,317, C>T on the plus strand (G>A on the coding strand, the complement: TTN is on the minus strand). VCF-style: chr2-178589317-C-T. GRCh37 (hg19) VCF-style: chr2-179454044-C-T.
Other names: c.57485G>A, p.Trp19162Ter (NM_001256850.1); c.35213G>A, p.Trp11738Ter (NM_003319.4); c.54704G>A, p.Trp18235Ter (NM_133378.4); c.35588G>A, p.Trp11863Ter (NM_133432.3); c.35789G>A, p.Trp11930Ter (NM_133437.4); short protein forms W18235*, W19162*, W11863*, W11930*, W11738*, W20803*.
Identifiers: ClinVar variation 2029642 (VCV002029642.4), dbSNP rs2469387281, ClinGen allele CA349464901.